The following is an entry in ClinVar:

NM_000512.5(GALNS):c.604del (p.Glu202fs)

Gene: GALNS (galactosamine (N-acetyl)-6-sulfatase; minus strand). Cytogenetic location: 16q24.3.
Variant type: Deletion.
Coding change: c.604del on transcript NM_000512.5 (MANE Select); coding-DNA position 604, one base deleted (G; older notation c.604delG).
Protein change: p.Glu202fs; shifts the reading frame from glutamic acid 202.
Molecular consequence: frameshift variant.
Genome position (GRCh38, 1-based): chr16:88,836,230, C deleted on the plus strand (G on the coding strand, the reverse complement: GALNS is on the minus strand); the first of 5 consecutive C bases (chr16:88,836,230-88,836,234); deleting any one gives the same sequence. VCF-style (leftmost placement, unchanged base first): chr16-88836229-TC-T. GRCh37 (hg19) VCF-style: chr16-88902637-TC-T.
Other names: c.49del, p.Glu17fs (NM_001323543.2); c.622del, p.Glu208fs (NM_001323544.2); short protein forms E17fs, E202fs, E208fs.
Identifiers: ClinVar variation 1048416 (VCV001048416.14), dbSNP rs1382823339, ClinGen allele CA624207053.

ClinVar aggregate classification (germline): Pathogenic. Review status: criteria provided, multiple submitters, no conflicts (2 of 4 stars). 3 submissions from 3 submitters: Pathogenic (3). Last evaluated 2024-09-11.

Conditions:
Mucopolysaccharidosis, MPS-IV-A (MPS4A). Also called: Mucopolysaccharidosis type IV A; Mucopolysaccharidosis Type IVA; Morquio syndrome A, mild; MORQUIO SYNDROME A; MPS IVA; mucopolysaccharidosis type 4A. Identifiers: Orphanet 309297, Orphanet 582, MedGen C0086651, MONDO:0009659, OMIM 253000.

Submissions (3):

Labcorp Genetics (formerly Invitae), Labcorp
Classification: Pathogenic for Mucopolysaccharidosis, MPS-IV-A. Last evaluated: 2024-09-11. Review status: criteria provided, single submitter. Criteria: Invitae Variant Classification Sherloc (09022015). Collection method: clinical testing. Allele origin: germline.
Comment: This sequence change creates a premature translational stop signal (p.Glu202Lysfs*117) in the GALNS gene. It is expected to result in an absent or disrupted protein product. Loss-of-function variants in GALNS are known to be pathogenic (PMID: 12442278). The frequency data for this variant in the population databases is considered unreliable, as metrics indicate poor data quality at this position in the gnomAD database. This premature translational stop signal has been observed in individual(s) with mucopolysaccharidosis type IVA (PMID: 15235041). This variant is also known as 600delG. ClinVar contains an entry for this variant (Variation ID: 1048416). For these reasons, this variant has been classified as Pathogenic.

Genome-Nilou Lab
Classification: Pathogenic for Mucopolysaccharidosis, MPS-IV-A. Last evaluated: 2021-11-07. Review status: criteria provided, single submitter. Criteria: ACMG Guidelines, 2015. Collection method: clinical testing. Allele origin: germline. Affected: no.

Laboratory of Diagnosis and Therapy of Lysosomal Disorders, University of Padova
Classification: Pathogenic for Mucopolysaccharidosis, MPS-IV-A. Last evaluated: 2021-02-01. Review status: criteria provided, single submitter. Criteria: ACMG Guidelines, 2015. Collection method: research. Allele origin: germline. Affected: yes.
Comment: Frameshift variant (PVS1_very strong); in vivo functional studies supportive of a damaging effect on the gene product (low to null enzymatic activity in homozygotes; PS3_supporting); the prevalence of the variant in affected individuals is significantly increased compared with the prevalence in controls (PS4_strong); very low frequency in gnomAD v2.1.1 (PM2_moderate)

Literature cited by the submitters: PubMed 12442278 (cited by Labcorp Genetics (formerly Invitae), Labcorp); PubMed 15235041 (cited by Labcorp Genetics (formerly Invitae), Labcorp and Laboratory of Diagnosis and Therapy of Lysosomal Disorders, University of Padova); PubMed 24726177 (cited by Laboratory of Diagnosis and Therapy of Lysosomal Disorders, University of Padova); PubMed 25252036 (cited by Laboratory of Diagnosis and Therapy of Lysosomal Disorders, University of Padova); PubMed 34387910 (cited by Laboratory of Diagnosis and Therapy of Lysosomal Disorders, University of Padova).